The following is an entry in ClinVar:

NM_017890.5(VPS13B):c.4184G>A (p.Gly1395Glu)

Gene: VPS13B (vacuolar protein sorting 13 homolog B; plus strand). Cytogenetic location: 8q22.2.
Variant type: single nucleotide variant.
Coding change: c.4184G>A on transcript NM_017890.5 (MANE Plus Clinical); coding-DNA position 4184, G replaced by A.
Protein change: p.Gly1395Glu; replaces glycine 1395 with glutamic acid.
Molecular consequence: missense variant. On other transcripts: intron variant (1).
Genome position (GRCh38, 1-based): chr8:99,507,796, G>A. VCF-style: chr8-99507796-G-A. GRCh37 (hg19) VCF-style: chr8-100520024-G-A.
Other names: c.4224+593G>A (NM_152564.5); short protein forms G1395E.
Identifiers: ClinVar variation 4984536 (VCV004984536.1).

ClinVar aggregate classification (germline): Uncertain significance (1 of 4 stars; one submission).

Conditions:
VPS13B-related disorder. Also called: VPS13B-related condition.

gnomAD v4.1: 3 of 1,613,882 alleles (0.00019%); highest among the groups gnomAD compares: Non-Finnish European, 0.00025%; no homozygotes.

Submission:

PreventionGenetics, part of Exact Sciences
Classification: Uncertain significance for VPS13B-related condition. Last evaluated: 2025-12-01. Review status: criteria provided, single submitter. Criteria: ACMG Guidelines, 2015. Collection method: clinical testing. Allele origin: germline.
Comment: The VPS13B c.4184G>A variant is predicted to result in the amino acid substitution p.Gly1395Glu. To our knowledge, this variant has not been reported in the literature. This variant is reported in 0.0065% of alleles in individuals of European (Non-Finnish) descent in gnomAD. At this time, the clinical significance of this variant is uncertain due to the absence of conclusive functional and genetic evidence.